The following is an entry in ClinVar:

ClinVar aggregate classification (germline): Uncertain significance. Review status: criteria provided, multiple submitters, no conflicts (2 of 4 stars). 2 submissions from 2 submitters: Uncertain significance (2). Last evaluated 2025-09-29.

Conditions:
Primary ciliary dyskinesia. Also called: Ciliary dyskinesia. Identifiers: Orphanet 244, MedGen C0008780, MONDO:0016575, HP:0012265.
Primary ciliary dyskinesia 6. Also called: Primary Ciliary Dyskinesia 6: TXNDC3-Related Primary Ciliary Dyskinesia. Identifiers: Orphanet 244, MedGen C1970506, MONDO:0012571, OMIM 610852.

Allele frequency attached by ClinVar (database versions not stated): gnomAD exomes 0.00001 and 0.00002; ExAC 0.00002; gnomAD 0.00013 and 0.00014; TOPMed 0.00015.
gnomAD v4.1: 36 of 1,613,792 alleles (0.0022%); highest among the groups gnomAD compares: African/African-American, 0.033%; no homozygotes.

Submissions (2):

Labcorp Genetics (formerly Invitae), Labcorp
Classification: Uncertain significance for Primary ciliary dyskinesia 6. Last evaluated: 2025-09-29. Review status: criteria provided, single submitter. Criteria: Invitae Variant Classification Sherloc (09022015). Collection method: clinical testing. Allele origin: germline.
Comment: This sequence change replaces proline, which is neutral and non-polar, with histidine, which is basic and polar, at codon 248 of the NME8 protein (p.Pro248His). This variant is present in population databases (rs199973571, gnomAD 0.03%). This variant has not been reported in the literature in individuals affected with NME8-related conditions. ClinVar contains an entry for this variant (Variation ID: 837987). Invitae Evidence Modeling of protein sequence and biophysical properties (such as structural, functional, and spatial information, amino acid conservation, physicochemical variation, residue mobility, and thermodynamic stability) indicates that this missense variant is not expected to disrupt NME8 protein function with a negative predictive value of 80%. In summary, the available evidence is currently insufficient to determine the role of this variant in disease. Therefore, it has been classified as a Variant of Uncertain Significance.

Ambry Genetics
Classification: Uncertain significance for Primary ciliary dyskinesia. Last evaluated: 2024-04-17. Review status: criteria provided, single submitter. Criteria: Ambry Variant Classification Scheme 2023. Collection method: clinical testing. Allele origin: germline.

NM_016616.5(NME8):c.743C>A (p.Pro248His)

Gene: NME8 (NME/NM23 family member 8; plus strand). Cytogenetic location: 7p14.1.
Variant type: single nucleotide variant.
Coding change: c.743C>A on transcript NM_016616.5 (MANE Select); coding-DNA position 743, C replaced by A.
Protein change: p.Pro248His; replaces proline 248 with histidine.
Molecular consequence: missense variant.
Genome position (GRCh38, 1-based): chr7:37,867,823, C>A. VCF-style: chr7-37867823-C-A. GRCh37 (hg19) VCF-style: chr7-37907425-C-A.
Other names: short protein forms P248H.
Identifiers: ClinVar variation 837987 (VCV000837987.9), dbSNP rs199973571, ClinGen allele CA4222325.